The following is an entry in ClinVar:

ClinVar aggregate classification (germline): Uncertain significance. Review status: criteria provided, single submitter (1 of 4 stars). 2 submissions from 2 submitters: Uncertain significance (1). 1 of the submissions does not count toward it. Last evaluated 2024-05-07.

Conditions:
CREBBP-related disorder. Also called: CREBBP-related condition; CREBBP-related disorders.
Menke-Hennekam syndrome 1 (MKHK1). Identifiers: MedGen C5193034, MONDO:0020763, OMIM 618332.
Rubinstein-Taybi syndrome due to CREBBP mutations (RSTS1). Also called: BROAD THUMBS AND GREAT TOES, CHARACTERISTIC FACIES, AND IMPAIRED INTELLECTUAL DEVELOPMENT; RUBINSTEIN-TAYBI SYNDROME 1, INCOMPLETE; BROAD THUMB-HALLUX SYNDROME; RUBINSTEIN SYNDROME; Rubinstein-Taybi syndrome 1; CREBBP-Related Rubinstein-Taybi Syndrome. Identifiers: Orphanet 353277, Orphanet 783, MedGen C4551859, MONDO:0008393, OMIM 180849.

Submissions (2):

Fulgent Genetics
Classification: Uncertain significance for Rubinstein-Taybi syndrome due to CREBBP mutations; Menke-Hennekam syndrome 1. Last evaluated: 2024-05-07. Review status: criteria provided, single submitter. Criteria: ACMG Guidelines, 2015. Collection method: clinical testing. Allele origin: germline.

PreventionGenetics, part of Exact Sciences
Classification: Uncertain significance for CREBBP-related condition. Last evaluated: 2023-11-16. Review status: no assertion criteria provided. Collection method: clinical testing. Allele origin: germline. Not counted in ClinVar's aggregate classification.
Comment: The CREBBP c.1654C>T variant is predicted to result in the amino acid substitution p.Pro552Ser. To our knowledge, this variant has not been reported in the literature or in a large population database, indicating this variant is rare. At this time, the clinical significance of this variant is uncertain due to the absence of conclusive functional and genetic evidence.

NM_004380.3(CREBBP):c.1654C>T (p.Pro552Ser)

Gene: CREBBP (CREB binding lysine acetyltransferase; minus strand). Cytogenetic location: 16p13.3.
Variant type: single nucleotide variant.
Coding change: c.1654C>T on transcript NM_004380.3 (MANE Select); coding-DNA position 1654, C replaced by T.
Protein change: p.Pro552Ser; replaces proline 552 with serine.
Molecular consequence: missense variant.
Genome position (GRCh38, 1-based): chr16:3,781,226, G>A on the plus strand (C>T on the coding strand, the complement: CREBBP is on the minus strand). VCF-style: chr16-3781226-G-A. GRCh37 (hg19) VCF-style: chr16-3831227-G-A.
Other names: c.1540C>T, p.Pro514Ser (NM_001079846.1); short protein forms P514S, P552S.
Identifiers: ClinVar variation 3358330 (VCV003358330.2).
Genomic context (GRCh38, chr16:3,781,226, plus strand): 5'-CTGTTGGACTGTCACTCAGATCTGAAACAGGGTCTTACTTTGTGGCCCCCAGGGAAGTCG[G>A]AAGAGCTGATTCTGAAATCAAGTTTGGGGGCTGCTGATCTGTTGTTATTCCTCCTGCTGG-3'
Protein context (NP_004371.2, residues 542-562): PPNLISESAL[Pro552Ser]TSLGATNPLM